The following is an entry in ClinVar:

NM_001379500.1(COL18A1):c.2728-6C>A

Genes: COL18A1 (collagen type XVIII alpha 1 chain; plus strand), SLC19A1 (solute carrier family 19 member 1; minus strand). Cytogenetic location: 21q22.3.
Variant type: single nucleotide variant.
Coding change: c.2728-6C>A on transcript NM_001379500.1 (MANE Select); 6 bases into the intron before coding-DNA position 2728, C replaced by A.
Molecular consequence: intron variant.
Genome position (GRCh38, 1-based): chr21:45,504,410, C>A. VCF-style: chr21-45504410-C-A. GRCh37 (hg19) VCF-style: chr21-46924324-C-A.
Other names: c.3973-6C>A (NM_130444.3); c.3268-6C>A (NM_030582.4).
Identifiers: ClinVar variation 1515577 (VCV001515577.8), dbSNP rs2146073524, ClinGen allele CA2573157793.

ClinVar aggregate classification (germline): Uncertain significance (1 of 4 stars; one submission).

Submission:

Labcorp Genetics (formerly Invitae), Labcorp
Classification: Uncertain significance. Last evaluated: 2022-10-03. Review status: criteria provided, single submitter. Criteria: Invitae Variant Classification Sherloc (09022015). Collection method: clinical testing. Allele origin: germline.
Comment: In summary, the available evidence is currently insufficient to determine the role of this variant in disease. Therefore, it has been classified as a Variant of Uncertain Significance. Algorithms developed to predict the effect of sequence changes on RNA splicing suggest that this variant may disrupt the consensus splice site. ClinVar contains an entry for this variant (Variation ID: 1515577). This variant has not been reported in the literature in individuals affected with COL18A1-related conditions. This variant is not present in population databases (gnomAD no frequency). This sequence change falls in intron 33 of the COL18A1 gene. It does not directly change the encoded amino acid sequence of the COL18A1 protein.